The following is an entry in ClinVar:

ClinVar aggregate classification (germline): Uncertain significance (1 of 4 stars; one submission).

Conditions:
Retinitis pigmentosa 59 (RP59). Identifiers: Orphanet 791, MedGen C3151227, MONDO:0013468, OMIM 613861.

gnomAD v4.1: 1 of 1,614,040 alleles (0.000062%); no homozygotes.

Submission:

Labcorp Genetics (formerly Invitae), Labcorp
Classification: Uncertain significance for Retinitis pigmentosa 59. Last evaluated: 2025-03-10. Review status: criteria provided, single submitter. Criteria: Invitae Variant Classification Sherloc (09022015). Collection method: clinical testing. Allele origin: germline.
Comment: This sequence change replaces isoleucine, which is neutral and non-polar, with valine, which is neutral and non-polar, at codon 32 of the DHDDS protein (p.Ile32Val). This variant is not present in population databases (gnomAD no frequency). This variant has not been reported in the literature in individuals affected with DHDDS-related conditions. ClinVar contains an entry for this variant (Variation ID: 2995939). Invitae Evidence Modeling of protein sequence and biophysical properties (such as structural, functional, and spatial information, amino acid conservation, physicochemical variation, residue mobility, and thermodynamic stability) indicates that this missense variant is not expected to disrupt DHDDS protein function with a negative predictive value of 80%. In summary, the available evidence is currently insufficient to determine the role of this variant in disease. Therefore, it has been classified as a Variant of Uncertain Significance.

NM_205861.3(DHDDS):c.94A>G (p.Ile32Val)

Gene: DHDDS (dehydrodolichyl diphosphate synthase subunit; plus strand). Cytogenetic location: 1p36.11.
Variant type: single nucleotide variant.
Coding change: c.94A>G on transcript NM_205861.3 (MANE Select); coding-DNA position 94, A replaced by G.
Protein change: p.Ile32Val; replaces isoleucine 32 with valine.
Molecular consequence: missense variant. On other transcripts: 5 prime UTR variant (1).
Genome position (GRCh38, 1-based): chr1:26,438,198, A>G. VCF-style: chr1-26438198-A-G. GRCh37 (hg19) VCF-style: chr1-26764689-A-G.
Other names: c.94A>G, p.Ile32Val (NM_001243564.2, NM_001243565.2, NM_024887.4); c.-209A>G (NM_001319959.2); short protein forms I32V.
Identifiers: ClinVar variation 2995939 (VCV002995939.3), dbSNP rs2524465481, ClinGen allele CA339138581.
Genomic context (GRCh38, chr1:26,438,198, plus strand): 5'-CTGTTCATCATTTGTCTTCCTATTCCACAGGCAGGCCCAATGCCGAAACACATTGCATTC[A>G]TAATGGACGGGAACCGTCGCTATGCCAAGAAGTGCCAGGTGGAGCGGCAGGAAGGCCACT-3'
Protein context (NP_995583.1, residues 22-42): AGPMPKHIAF[Ile32Val]MDGNRRYAKK